The following is an entry in ClinVar:

ClinVar aggregate classification (germline): Likely benign (0 of 4 stars; one submission).

Conditions:
SLC25A5-related disorder. Also called: SLC25A5-related condition.

Allele frequency attached by ClinVar (database versions not stated): ExAC 0.00010.

Submission:

PreventionGenetics, part of Exact Sciences
Classification: Likely benign for SLC25A5-related condition. Last evaluated: 2019-11-05. Review status: no assertion criteria provided. Collection method: clinical testing. Allele origin: germline.
Comment: This variant is classified as likely benign based on ACMG/AMP sequence variant interpretation guidelines (Richards et al. 2015 PMID: 25741868, with internal and published modifications).

NM_001152.5(SLC25A5):c.138T>C (p.Thr46=)

Gene: SLC25A5 (solute carrier family 25 member 5; plus strand). Cytogenetic location: Xq24.
Variant type: single nucleotide variant.
Coding change: c.138T>C on transcript NM_001152.5 (MANE Select); coding-DNA position 138, T replaced by C.
Protein change: p.Thr46=; no amino-acid change (threonine 46 retained).
Molecular consequence: synonymous variant.
Genome position (GRCh38, 1-based): chrX:119,469,687, T>C. VCF-style: chrX-119469687-T-C. GRCh37 (hg19) VCF-style: chrX-118603650-T-C.
Identifiers: ClinVar variation 3033090 (VCV003033090.2), dbSNP rs766261593, ClinGen allele CA10502033.